The following is an entry in ClinVar:

NM_005591.4(MRE11):c.451A>G (p.Asn151Asp)

Gene: MRE11 (MRE11 double strand break repair nuclease; minus strand). Cytogenetic location: 11q21.
Variant type: single nucleotide variant.
Coding change: c.451A>G on transcript NM_005591.4 (MANE Select); coding-DNA position 451, A replaced by G.
Protein change: p.Asn151Asp; replaces asparagine 151 with aspartic acid.
Molecular consequence: missense variant.
Genome position (GRCh38, 1-based): chr11:94,478,828, T>C on the plus strand (A>G on the coding strand, the complement: MRE11 is on the minus strand). VCF-style: chr11-94478828-T-C. GRCh37 (hg19) VCF-style: chr11-94211994-T-C.
Other names: c.451A>G, p.Asn151Asp (NM_001330347.2, NM_005590.4); short protein forms N151D.
Identifiers: ClinVar variation 3397867 (VCV003397867.1).

ClinVar aggregate classification (germline): Uncertain significance (1 of 4 stars; one submission).

Conditions:
Hereditary cancer-predisposing syndrome. Also called: Hereditary Cancer Syndrome; Tumor predisposition; Hereditary neoplastic syndrome; Neoplastic Syndromes, Hereditary. Identifiers: Orphanet 140162, MedGen C0027672, MeSH D009386, MONDO:0015356.

Submission:

Ambry Genetics
Classification: Uncertain significance for Hereditary cancer-predisposing syndrome. Last evaluated: 2024-09-30. Review status: criteria provided, single submitter. Criteria: Ambry Variant Classification Scheme 2023. Collection method: clinical testing. Allele origin: germline.
Comment: The p.N151D variant (also known as c.451A>G), located in coding exon 5 of the MRE11A gene, results from an A to G substitution at nucleotide position 451. The asparagine at codon 151 is replaced by aspartic acid, an amino acid with highly similar properties. This amino acid position is conserved. In addition, the in silico prediction for this alteration is inconclusive. Based on the available evidence, the clinical significance of this variant remains unclear.